The following is an entry in ClinVar:

NM_138281.3(DLX4):c.74C>G (p.Pro25Arg)

Gene: DLX4 (distal-less homeobox 4; plus strand). Cytogenetic location: 17q21.33.
Variant type: single nucleotide variant.
Coding change: c.74C>G on transcript NM_138281.3 (MANE Select); coding-DNA position 74, C replaced by G.
Protein change: p.Pro25Arg; replaces proline 25 with arginine.
Molecular consequence: missense variant.
Genome position (GRCh38, 1-based): chr17:49,969,542, C>G. VCF-style: chr17-49969542-C-G. GRCh37 (hg19) VCF-style: chr17-48046906-C-G.
Other names: short protein forms P25R.
Identifiers: ClinVar variation 3036294 (VCV003036294.2), dbSNP rs145781048, ClinGen allele CA8640696.

ClinVar aggregate classification (germline): Likely benign (0 of 4 stars; one submission).

Conditions:
DLX4-related disorder. Also called: DLX4-related condition.

Allele frequency attached by ClinVar (database versions not stated): gnomAD exomes 0.00008; ExAC 0.00031; 1000 Genomes Project 30x 0.00078; TOPMed 0.00092; gnomAD 0.00095; 1000 Genomes Project 0.00100; ESP Exome Variant Server 0.00100.
gnomAD v4.1: 260 of 1,613,264 alleles (0.016%); highest among the groups gnomAD compares: African/African-American, 0.33%; no homozygotes.

Submission:

PreventionGenetics, part of Exact Sciences
Classification: Likely benign for DLX4-related condition. Last evaluated: 2021-08-04. Review status: no assertion criteria provided. Collection method: clinical testing. Allele origin: germline.
Comment: This variant is classified as likely benign based on ACMG/AMP sequence variant interpretation guidelines (Richards et al. 2015 PMID: 25741868, with internal and published modifications).